The following is an entry in ClinVar:

ClinVar aggregate classification (germline): Uncertain significance (1 of 4 stars; one submission).

Conditions:
Congenital glucose-galactose malabsorption (GGM). Also called: DIARRHEA 16; MONOSACCHARIDE MALABSORPTION. Identifiers: Orphanet 35710, MedGen C0268186, MONDO:0011731, OMIM 606824.

Allele frequency attached by ClinVar (database versions not stated): ExAC 0.00001; gnomAD exomes 0.00001 and 0.00002; TOPMed 0.00002; gnomAD 0.00003; ESP Exome Variant Server 0.00008.
gnomAD v4.1: 40 of 1,614,064 alleles (0.0025%); highest among the groups gnomAD compares: Non-Finnish European, 0.0029%; no homozygotes.

Submission:

Labcorp Genetics (formerly Invitae), Labcorp
Classification: Uncertain significance for Congenital glucose-galactose malabsorption. Last evaluated: 2022-07-19. Review status: criteria provided, single submitter. Criteria: Invitae Variant Classification Sherloc (09022015). Collection method: clinical testing. Allele origin: germline.
Comment: This sequence change replaces arginine, which is basic and polar, with glutamine, which is neutral and polar, at codon 15 of the SLC5A1 protein (p.Arg15Gln). This variant is present in population databases (rs142249046, gnomAD 0.002%). This variant has not been reported in the literature in individuals affected with SLC5A1-related conditions. ClinVar contains an entry for this variant (Variation ID: 1470498). Algorithms developed to predict the effect of missense changes on protein structure and function (SIFT, PolyPhen-2, Align-GVGD) all suggest that this variant is likely to be tolerated. In summary, the available evidence is currently insufficient to determine the role of this variant in disease. Therefore, it has been classified as a Variant of Uncertain Significance.

NM_000343.4(SLC5A1):c.44G>A (p.Arg15Gln)

Gene: SLC5A1 (solute carrier family 5 member 1; plus strand). Cytogenetic location: 22q12.3.
Variant type: single nucleotide variant.
Coding change: c.44G>A on transcript NM_000343.4 (MANE Select); coding-DNA position 44, G replaced by A.
Protein change: p.Arg15Gln; replaces arginine 15 with glutamine.
Molecular consequence: missense variant.
Genome position (GRCh38, 1-based): chr22:32,043,325, G>A. VCF-style: chr22-32043325-G-A. GRCh37 (hg19) VCF-style: chr22-32439312-G-A.
Other names: short protein forms R15Q.
Identifiers: ClinVar variation 1470498 (VCV001470498.3), dbSNP rs142249046, ClinGen allele CA10197820.